The following is an entry in ClinVar:

ClinVar aggregate classification (germline): Uncertain significance (1 of 4 stars; one submission).

Conditions:
Dyskeratosis congenita, autosomal dominant 1 (DKCA1). Also called: Dyskeratosis congenita Scoggins type. Identifiers: Orphanet 1775, MedGen C4551974, MONDO:0007485, OMIM 127550. Inheritance: Variable.

Submission:

Labcorp Genetics (formerly Invitae), Labcorp
Classification: Uncertain significance for Dyskeratosis congenita, autosomal dominant 1. Last evaluated: 2022-08-16. Review status: criteria provided, single submitter. Criteria: Invitae Variant Classification Sherloc (09022015). Collection method: clinical testing. Allele origin: germline.
Comment: A copy number gain of the genomic region encompassing the full coding sequence of the TERC gene has been identified. The boundaries of this event are unknown as they extend beyond the assayed region for this gene and therefore may encompass additional genes. As the precise location of this event is unknown, it may be in tandem or it may be located elsewhere in the genome. This variant has not been reported in the literature in individuals affected with TERC-related conditions. Experimental studies and prediction algorithms are not available or were not evaluated, and the functional significance of this variant is currently unknown. In summary, the available evidence is currently insufficient to determine the role of this variant in disease. Therefore, it has been classified as a Variant of Uncertain Significance.

NC_000003.11:g.(?_169482398)_(169482848_?)dup

Gene: TERC (telomerase RNA component; minus strand). Cytogenetic location: 3q26.2.
Variant type: Duplication.
Identifiers: ClinVar variation 2427793 (VCV002427793.3).